The following is an entry in ClinVar:

NM_000760.4(CSF3R):c.1072-1G>A

Gene: CSF3R (colony stimulating factor 3 receptor; minus strand). Cytogenetic location: 1p34.3.
Variant type: single nucleotide variant.
Coding change: c.1072-1G>A on transcript NM_000760.4 (MANE Select); the canonical splice acceptor site of the intron before coding-DNA position 1072, G replaced by A.
Molecular consequence: splice acceptor variant.
Genome position (GRCh38, 1-based): chr1:36,471,647, C>T on the plus strand (G>A on the coding strand, the complement: CSF3R is on the minus strand). VCF-style: chr1-36471647-C-T. GRCh37 (hg19) VCF-style: chr1-36937248-C-T.
Other names: c.1072-1G>A (NM_156039.3, NM_172313.3).
Identifiers: ClinVar variation 2439604 (VCV002439604.6), dbSNP rs992318824, ClinGen allele CA20747979.

ClinVar aggregate classification (germline): Pathogenic/Likely pathogenic. Review status: criteria provided, multiple submitters, no conflicts (2 of 4 stars). 2 submissions from 2 submitters: Pathogenic (1); Likely pathogenic (1). Last evaluated 2023-08-17.

Conditions:
Autosomal recessive severe congenital neutropenia due to CSF3R deficiency. Also called: Neutropenia, severe congenital, 7, autosomal recessive. Identifiers: Orphanet 420702, MedGen C4310764, MONDO:0014865, OMIM 617014.

Allele frequency attached by ClinVar (database versions not stated): gnomAD exomes below 0.00001.
gnomAD v4.1: 2 of 1,614,072 alleles (0.00012%); highest among the groups gnomAD compares: Non-Finnish European, 0.00017%; no homozygotes.

Submissions (2):

Labcorp Genetics (formerly Invitae), Labcorp
Classification: Pathogenic for Autosomal recessive severe congenital neutropenia due to CSF3R deficiency. Last evaluated: 2023-08-17. Review status: criteria provided, single submitter. Criteria: Invitae Variant Classification Sherloc (09022015). Collection method: clinical testing. Allele origin: germline.
Comment: This sequence change affects an acceptor splice site in intron 9 of the CSF3R gene. It is expected to disrupt RNA splicing. Variants that disrupt the donor or acceptor splice site typically lead to a loss of protein function (PMID: 16199547), and loss-of-function variants in CSF3R are known to be pathogenic (PMID: 24753537, 26324699). This variant is not present in population databases (gnomAD no frequency). For these reasons, this variant has been classified as Pathogenic. Algorithms developed to predict the effect of sequence changes on RNA splicing suggest that this variant may disrupt the consensus splice site. ClinVar contains an entry for this variant (Variation ID: 2439604). Disruption of this splice site has been observed in individual(s) with congenital neutropenia (Invitae). In at least one individual the data is consistent with being in trans (on the opposite chromosome) from a pathogenic variant.

Revvity Omics, Revvity
Classification: Likely pathogenic. Last evaluated: 2022-12-27. Review status: criteria provided, single submitter. Criteria: ACMG Guidelines, 2015. Collection method: clinical testing. Allele origin: germline.

Literature cited by the submitters: PubMed 16199547 (cited by Labcorp Genetics (formerly Invitae), Labcorp); PubMed 24753537 (cited by Labcorp Genetics (formerly Invitae), Labcorp); PubMed 26324699 (cited by Labcorp Genetics (formerly Invitae), Labcorp).